The following is an entry in ClinVar:

NM_000051.4(ATM):c.5762+119G>A

Gene: ATM (ATM serine/threonine kinase; plus strand). Cytogenetic location: 11q22.3.
Variant type: single nucleotide variant.
Coding change: c.5762+119G>A on transcript NM_000051.4 (MANE Select); 119 bases into the intron after coding-DNA position 5762, G replaced by A.
Molecular consequence: intron variant.
Genome position (GRCh38, 1-based): chr11:108,308,103, G>A. VCF-style: chr11-108308103-G-A. GRCh37 (hg19) VCF-style: chr11-108178830-G-A.
Other names: c.5762+119G>A (NM_001351834.2).
Identifiers: ClinVar variation 676001 (VCV000676001.2), dbSNP rs4988059, ClinGen allele CA228394721.

ClinVar aggregate classification (germline): Likely benign. Review status: criteria provided, multiple submitters, no conflicts (2 of 4 stars). 2 submissions from 2 submitters: Likely benign (2). Last evaluated 2018-06-18.

Allele frequency attached by ClinVar (database versions not stated): gnomAD 0.01175; TOPMed 0.01437; 1000 Genomes Project 0.01637; 1000 Genomes Project 30x 0.01686.
gnomAD v4.1: 3,118 of 980,030 alleles (0.32%); highest among the groups gnomAD compares: African/African-American, 4.3%; 73 homozygotes.

Submissions (2):

GeneDx
Classification: Likely benign. Last evaluated: 2018-06-18. Review status: criteria provided, single submitter. Criteria: GeneDx Variant Classification (06012015). Collection method: clinical testing. Allele origin: germline. Affected: yes.
Comment: This variant is considered likely benign or benign based on one or more of the following criteria: it is a conservative change, it occurs at a poorly conserved position in the protein, it is predicted to be benign by multiple in silico algorithms, and/or has population frequency not consistent with disease.

Breakthrough Genomics
Classification: Likely benign. Review status: criteria provided, single submitter. Criteria: ACMG Guidelines, 2015. Collection method: not provided. Allele origin: germline. Inheritance: Autosomal recessive inheritance. Affected: yes.